The following is an entry in ClinVar:

ClinVar aggregate classification (germline): Uncertain significance (1 of 4 stars; one submission).

Conditions:
Generalized epilepsy-paroxysmal dyskinesia syndrome (PNKD3). Also called: Generalized epilepsy and paroxysmal dyskinesia; Paroxysmal nonkinesigenic dyskinesia, 3, with or without generalized epilepsy. Identifiers: Orphanet 79137, MedGen C5574945, MONDO:0012276, OMIM 609446.

Allele frequency attached by ClinVar (database versions not stated): TOPMed below 0.00001; gnomAD exomes 0.00001.
gnomAD v4.1: 7 of 1,612,738 alleles (0.00043%); highest among the groups gnomAD compares: Non-Finnish European, 0.00059%; no homozygotes.

Submission:

Labcorp Genetics (formerly Invitae), Labcorp
Classification: Uncertain significance for Generalized epilepsy-paroxysmal dyskinesia syndrome. Last evaluated: 2025-04-28. Review status: criteria provided, single submitter. Criteria: Invitae Variant Classification Sherloc (09022015). Collection method: clinical testing. Allele origin: germline.
Comment: This sequence change replaces histidine, which is basic and polar, with glutamine, which is neutral and polar, at codon 62 of the KCNMA1 protein (p.His62Gln). This variant is not present in population databases (gnomAD no frequency). This missense change has been observed in individual(s) with clinical features of autosomal dominant KCNMA1-related disorders (internal data). ClinVar contains an entry for this variant (Variation ID: 2158998). An algorithm developed to predict the effect of missense changes on protein structure and function (PolyPhen-2) suggests that this variant is likely to be tolerated. Algorithms developed to predict the effect of sequence changes on RNA splicing suggest that this variant may create or strengthen a splice site. In summary, the available evidence is currently insufficient to determine the role of this variant in disease. Therefore, it has been classified as a Variant of Uncertain Significance.

NM_001161352.2(KCNMA1):c.186C>G (p.His62Gln)

Gene: KCNMA1 (potassium calcium-activated channel subfamily M alpha 1; minus strand). Cytogenetic location: 10q22.3.
Variant type: single nucleotide variant.
Coding change: c.186C>G on transcript NM_001161352.2 (MANE Select); coding-DNA position 186, C replaced by G.
Protein change: p.His62Gln; replaces histidine 62 with glutamine.
Molecular consequence: missense variant.
Genome position (GRCh38, 1-based): chr10:77,637,457, G>C on the plus strand (C>G on the coding strand, the complement: KCNMA1 is on the minus strand). VCF-style: chr10-77637457-G-C. GRCh37 (hg19) VCF-style: chr10-79397215-G-C.
Other names: c.186C>G, p.His62Gln (NM_001014797.3, NM_001161353.2, NM_001271518.2 and 13 more transcripts); short protein forms H62Q.
Identifiers: ClinVar variation 2158998 (VCV002158998.4), dbSNP rs974972197, ClinGen allele CA210159544.